The following is an entry in ClinVar:

NM_001099922.3(ALG13):c.383+2794G>A

Gene: ALG13 (ALG13 UDP-N-acetylglucosaminyltransferase subunit; plus strand). Cytogenetic location: Xq23.
Variant type: single nucleotide variant.
Coding change: c.383+2794G>A on transcript NM_001099922.3 (MANE Select); 2794 bases into the intron after coding-DNA position 383, G replaced by A.
Molecular consequence: intron variant. On other transcripts: nonsense (1), 3 prime UTR variant (1), missense variant (8), non-coding transcript variant (2).
Genome position (GRCh38, 1-based): chrX:111,687,897, G>A. VCF-style: chrX-111687897-G-A. GRCh37 (hg19) VCF-style: chrX-110931125-G-A.
Other names: c.335G>A, p.Trp112Ter (NM_001039210.5); c.*30G>A (NM_001168385.3); c.82G>A, p.Gly28Arg (NM_001257235.3, NM_001257239.3, NM_001257240.3 and 2 more transcripts); c.160G>A, p.Gly54Arg (NM_001257241.3); c.400G>A, p.Gly134Arg (NM_001324290.2); c.394G>A, p.Gly132Arg (NM_018466.6); c.71+2794G>A (NM_001257237.2, NM_001324293.1, NM_001257234.2 and 1 more transcripts); c.149+2794G>A (NM_001257231.2); and 1 more; short protein forms G132R, G134R, G28R, G54R, W112*.
Identifiers: ClinVar variation 1711937 (VCV001711937.3), dbSNP rs1285323021, ClinGen allele CA414248954.

ClinVar aggregate classification (germline): Uncertain significance (1 of 4 stars; one submission).

gnomAD v4.1: 1 of 1,157,216 alleles (0.000086%); highest among the groups gnomAD compares: Admixed American, 0.0027%; no homozygotes.

Submission:

GeneDx
Classification: Uncertain significance. Last evaluated: 2024-01-04. Review status: criteria provided, single submitter. Criteria: GeneDx Variant Classification Process June 2021. Collection method: clinical testing. Allele origin: germline. Affected: yes.
Comment: Not observed at significant frequency in large population cohorts (gnomAD); Nonsense variant predicted to result in protein truncation as the last 27 amino acids are lost in a gene for which loss-of-function is not a known mechanism of disease; Has not been previously published as pathogenic or benign to our knowledge; Reported using an alternate transcript of the gene